The following is an entry in ClinVar:

NM_004959.5(NR5A1):c.308G>C (p.Arg103Pro)

Gene: NR5A1 (nuclear receptor subfamily 5 group A member 1; minus strand). Cytogenetic location: 9q33.3.
Variant type: single nucleotide variant.
Coding change: c.308G>C on transcript NM_004959.5 (MANE Select); coding-DNA position 308, G replaced by C.
Protein change: p.Arg103Pro; replaces arginine 103 with proline.
Molecular consequence: missense variant.
Genome position (GRCh38, 1-based): chr9:124,500,652, C>G on the plus strand (G>C on the coding strand, the complement: NR5A1 is on the minus strand). VCF-style: chr9-124500652-C-G. GRCh37 (hg19) VCF-style: chr9-127262931-C-G.
Other names: short protein forms R103P.
Identifiers: ClinVar variation 3731259 (VCV003731259.1).

ClinVar aggregate classification (germline): Uncertain significance (1 of 4 stars; one submission).

gnomAD v4.1: 1 of 1,613,346 alleles (0.000062%); highest among the groups gnomAD compares: Non-Finnish European, 0.000085%; no homozygotes.

Submission:

GeneDx
Classification: Uncertain significance. Last evaluated: 2024-08-15. Review status: criteria provided, single submitter. Criteria: GeneDx Variant Classification Process June 2021. Collection method: clinical testing. Allele origin: germline. Affected: yes.
Comment: Not observed at significant frequency in large population cohorts (gnomAD); In silico analysis supports that this missense variant has a deleterious effect on protein structure/function; Has not been previously published as pathogenic or benign to our knowledge